The following is an entry in ClinVar:

NM_015910.7(WDPCP):c.1945A>G (p.Met649Val)

Gene: WDPCP (WD repeat containing planar cell polarity effector; minus strand). Cytogenetic location: 2p15.
Variant type: single nucleotide variant.
Coding change: c.1945A>G on transcript NM_015910.7 (MANE Select); coding-DNA position 1945, A replaced by G.
Protein change: p.Met649Val; replaces methionine 649 with valine.
Molecular consequence: missense variant. On other transcripts: non-coding transcript variant (3).
Genome position (GRCh38, 1-based): chr2:63,174,803, T>C on the plus strand (A>G on the coding strand, the complement: WDPCP is on the minus strand). VCF-style: chr2-63174803-T-C. GRCh37 (hg19) VCF-style: chr2-63401938-T-C.
Other names: c.1468A>G, p.Met490Val (NM_001042692.3); c.1873A>G, p.Met625Val (NM_001354044.2); short protein forms M649V, M625V, M490V.
Identifiers: ClinVar variation 336761 (VCV000336761.11), dbSNP rs759281211, ClinGen allele CA1682044.

ClinVar aggregate classification (germline): Uncertain significance. Review status: criteria provided, multiple submitters, no conflicts (2 of 4 stars). 2 submissions from 2 submitters: Uncertain significance (2). Last evaluated 2021-08-28.

Conditions:
Bardet-Biedl syndrome (BBS). Identifiers: Orphanet 110, MedGen C0752166, MONDO:0015229.
Bardet-Biedl syndrome 15 (BBS15). Identifiers: Orphanet 110, MedGen C3150127, MONDO:0014443, OMIM 615992.

Allele frequency attached by ClinVar (database versions not stated): gnomAD exomes below 0.00001; ExAC 0.00001.
gnomAD v4.1: 3 of 1,613,914 alleles (0.00019%); highest among the groups gnomAD compares: Non-Finnish European, 0.00025%; no homozygotes.

Submissions (2):

Labcorp Genetics (formerly Invitae), Labcorp
Classification: Uncertain significance for Bardet-Biedl syndrome. Last evaluated: 2021-08-28. Review status: criteria provided, single submitter. Criteria: Invitae Variant Classification Sherloc (09022015). Collection method: clinical testing. Allele origin: germline.
Comment: This sequence change replaces methionine with valine at codon 649 of the WDPCP protein (p.Met649Val). The methionine residue is weakly conserved and there is a small physicochemical difference between methionine and valine. This variant is present in population databases (rs759281211, ExAC 0.001%). This variant has not been reported in the literature in individuals affected with WDPCP-related conditions. ClinVar contains an entry for this variant (Variation ID: 336761). Algorithms developed to predict the effect of missense changes on protein structure and function output the following: SIFT: "Tolerated"; PolyPhen-2: "Benign"; Align-GVGD: "Class C0". The valine amino acid residue is found in multiple mammalian species, which suggests that this missense change does not adversely affect protein function. In summary, the available evidence is currently insufficient to determine the role of this variant in disease. Therefore, it has been classified as a Variant of Uncertain Significance.

Illumina Laboratory Services, Illumina
Classification: Uncertain significance for Bardet-Biedl syndrome 15. Last evaluated: 2018-01-13. Review status: criteria provided, single submitter. Criteria: ICSL Variant Classification Criteria 13 December 2019. Collection method: clinical testing. Allele origin: germline.